The following is an entry in ClinVar:

NM_000441.2(SLC26A4):c.235del (p.Arg79fs)

Gene: SLC26A4 (solute carrier family 26 member 4; plus strand). Cytogenetic location: 7q22.3.
Variant type: Deletion.
Coding change: c.235del on transcript NM_000441.2 (MANE Select); coding-DNA position 235, one base deleted (C; older notation c.235delC).
Protein change: p.Arg79fs; shifts the reading frame from arginine 79.
Molecular consequence: frameshift variant.
Genome position (GRCh38, 1-based): chr7:107,663,366, C deleted; the last of 2 consecutive C bases (chr7:107,663,365-107,663,366); deleting either gives the same sequence. VCF-style (leftmost placement, unchanged base first): chr7-107663364-AC-A. GRCh37 (hg19) VCF-style: chr7-107303809-AC-A.
Other names: short protein forms R79fs.
Identifiers: ClinVar variation 5019115 (VCV005019115.2).
Genomic context (GRCh38, chr7:107,663,364, plus strand): 5'-GAAAGAGAGCCTTTGGTGTGCTAAAGACTCTTGTGCCCATCTTGGAGTGGCTCCCCAAAT[AC>A]CGAGTCAAGGAATGGCTGCTTAGTGACGTCATTTCGGGAGTTAGTACTGGGCTAGTGGCC-3'

ClinVar aggregate classification (germline): Likely pathogenic (1 of 4 stars; one submission).

Conditions:
Autosomal recessive nonsyndromic hearing loss 4 (DFNB4). Also called: Deafness, autosomal recessive 4; Deafness, autosomal recessive 4, with enlarged vestibular aqueduct; NEUROSENSORY NONSYNDROMIC RECESSIVE DEAFNESS 4; FOXI1-Related Pendred Syndrome; KCNJ10-Related Pendred Syndrome; Enlarged vestibular aqueduct, digenic. Identifiers: Orphanet 90636, MedGen C3538946, MONDO:0010933, OMIM 600791.
Pendred syndrome (PDS). Also called: GOITER-DEAFNESS SYNDROME; HYPOTHYROIDISM, CONGENITAL, DUE TO DYSHORMONOGENESIS, 2B; THYROID DYSHORMONOGENESIS 2B; THYROID HORMONOGENESIS, GENETIC DEFECT IN, 2B; Pendred Syndrome (PDS); DEAFNESS WITH GOITER. Identifiers: Orphanet 705, MedGen C0271829, MONDO:0010134, OMIM 274600.

Submission:

Juno Genomics, Hangzhou Juno Genomics, Inc
Classification: Likely pathogenic for Autosomal recessive nonsyndromic hearing loss 4; Pendred syndrome. Review status: criteria provided, single submitter. Criteria: ACMG Guidelines, 2015. Collection method: clinical testing. Allele origin: germline.
Comment: Absent from controls (or at extremely low frequency if recessive) in Genome Aggregation Database.;Null variant in a gene where loss of function (LOF) is a known mechanism of disease.